The following is an entry in ClinVar:

NM_016312.3(WBP11):c.937A>G (p.Met313Val)

Gene: WBP11 (WW domain binding protein 11; minus strand). Cytogenetic location: 12p12.3.
Variant type: single nucleotide variant.
Coding change: c.937A>G on transcript NM_016312.3 (MANE Select); coding-DNA position 937, A replaced by G.
Protein change: p.Met313Val; replaces methionine 313 with valine.
Molecular consequence: missense variant.
Genome position (GRCh38, 1-based): chr12:14,791,247, T>C on the plus strand (A>G on the coding strand, the complement: WBP11 is on the minus strand). VCF-style: chr12-14791247-T-C. GRCh37 (hg19) VCF-style: chr12-14944181-T-C.
Other names: short protein forms M313V.
Identifiers: ClinVar variation 2528074 (VCV002528074.3), dbSNP rs370288866, ClinGen allele CA233278140.

ClinVar aggregate classification (germline): Conflicting classifications of pathogenicity. Review status: criteria provided, conflicting classifications (1 of 4 stars). 2 submissions from 2 submitters: Uncertain significance (1); Likely benign (1). Last evaluated 2024-09-20.

Conditions:
Inborn genetic diseases. Identifiers: MedGen C0950123, MeSH D030342.
Vertebral, cardiac, tracheoesophageal, renal, and limb defects. Also called: VCTERL SYNDROME. Identifiers: MedGen C5543189, MONDO:0030987, OMIM 619227.

Submissions (2):

3billion
Classification: Likely benign for Vertebral, cardiac, tracheoesophageal, renal, and limb defects. Last evaluated: 2024-09-20. Review status: criteria provided, single submitter. Criteria: ACMG Guidelines, 2015. Collection method: clinical testing. Allele origin: germline. Affected: no.
Comment: The variant was identified in at least one patient who was diagnosed with a different variant in another gene and showed no symptoms related to the gene containing the variant in question.

Ambry Genetics
Classification: Uncertain significance for Inborn genetic diseases. Last evaluated: 2023-05-24. Review status: criteria provided, single submitter. Criteria: Ambry Variant Classification Scheme 2023. Collection method: clinical testing. Allele origin: germline.